The following is an entry in ClinVar:

ClinVar aggregate classification (germline): Conflicting classifications of pathogenicity. Review status: criteria provided, conflicting classifications (1 of 4 stars). 4 submissions from 4 submitters: Uncertain significance (3); Benign (1). Last evaluated 2026-03-12.

Conditions:
Heterotopia, periventricular, X-linked dominant (PVNH1). Also called: PERIVENTRICULAR NODULAR HETEROTOPIA 4; HETEROTOPIA, PERIVENTRICULAR, 1; PERIVENTRICULAR NODULAR HETEROTOPIA 1; X-linked periventricular heterotopia. Identifiers: Orphanet 2149, Orphanet 82004, MedGen C1848213, MONDO:0010233, OMIM 300049.
Oto-palato-digital syndrome, type II (OPD2). Also called: Otopalatodigital Syndrome, Type II; OPD II SYNDROME; Otopalatodigital Syndrome Type 2 (FLNA-OPD2); FACIOPALATOOSSEOUS SYNDROME. Identifiers: Orphanet 669, Orphanet 90652, MedGen C1844696, MONDO:0010571, OMIM 304120.
Frontometaphyseal dysplasia (FMD1). Identifiers: Orphanet 1826, MedGen C0265293, MONDO:0015942.
Melnick-Needles syndrome (MNS). Also called: OSTEODYSPLASTY OF MELNICK AND NEEDLES; Melnick-Needles Syndrome (FLNA-MNS); MELNICK-NEEDLES OSTEODYSPLASTY. Identifiers: Orphanet 2484, MedGen C0025237, MONDO:0010650, OMIM 309350.
Familial thoracic aortic aneurysm and aortic dissection (TAAD). Also called: Thoracic aortic aneurysms and dissections. Identifiers: Orphanet 91387, MedGen C4707243, MONDO:0019625.
Intellectual disability. Also called: intellectual disabilities; Intellectual developmental disorder; Intellectual functioning disability. Identifiers: MedGen C3714756, MeSH D008607, MONDO:0001071, HP:0001249.

Allele frequency attached by ClinVar (database versions not stated): ExAC 0.00001; gnomAD 0.00002; 1000 Genomes Project 30x 0.00042; gnomAD exomes 0.00001; TOPMed 0.00001; 1000 Genomes Project 0.00026.
gnomAD v4.1: 2 of 1,210,625 alleles (0.00017%); highest among the groups gnomAD compares: Admixed American, 0.0022%; no homozygotes.

Submissions (4):

Ambry Genetics
Classification: Uncertain significance for Familial thoracic aortic aneurysm and aortic dissection. Last evaluated: 2026-03-12. Review status: criteria provided, single submitter. Criteria: Ambry Variant Classification Scheme 2023. Collection method: clinical testing. Allele origin: germline.
Comment: The p.G1818S variant (also known as c.5452G>A), located in coding exon 32 of the FLNA gene, results from a G to A substitution at nucleotide position 5452. The glycine at codon 1818 is replaced by serine, an amino acid with similar properties. This amino acid position is conserved. In addition, this alteration is predicted to be deleterious by in silico analysis. Based on the available evidence, the clinical significance of this variant remains unclear.

GeneDx
Classification: Uncertain significance. Last evaluated: 2026-01-05. Review status: criteria provided, single submitter. Criteria: GeneDx Variant Classification Process June 2021. Collection method: clinical testing. Allele origin: germline. Affected: yes.
Comment: Not observed at significant frequency in large population cohorts (gnomAD); In silico analysis supports that this missense variant has a deleterious effect on protein structure/function; Has not been previously published as pathogenic or benign to our knowledge

Labcorp Genetics (formerly Invitae), Labcorp
Classification: Benign for Oto-palato-digital syndrome, type II; Heterotopia, periventricular, X-linked dominant; Frontometaphyseal dysplasia; Melnick-Needles syndrome. Last evaluated: 2025-06-24. Review status: criteria provided, single submitter. Criteria: Invitae Variant Classification Sherloc (09022015). Collection method: clinical testing. Allele origin: germline.

Diagnostic Laboratory, Strasbourg University Hospital
Classification: Uncertain significance for Intellectual disability. Last evaluated: 2020-09-10. Review status: criteria provided, single submitter. Criteria: ACMG Guidelines, 2015. Collection method: clinical testing. Allele origin: unknown. Affected: yes. Observed: 1 hemizygote.

NM_001110556.2(FLNA):c.5476G>A (p.Gly1826Ser)

Gene: FLNA (filamin A; minus strand). Cytogenetic location: Xq28.
Variant type: single nucleotide variant.
Coding change: c.5476G>A on transcript NM_001110556.2 (MANE Select); coding-DNA position 5476, G replaced by A.
Protein change: p.Gly1826Ser; replaces glycine 1826 with serine.
Molecular consequence: missense variant.
Genome position (GRCh38, 1-based): chrX:154,354,232, C>T on the plus strand (G>A on the coding strand, the complement: FLNA is on the minus strand). VCF-style: chrX-154354232-C-T. GRCh37 (hg19) VCF-style: chrX-153582600-C-T.
Other names: c.5452G>A, p.Gly1818Ser (NM_001456.4); short protein forms G1818S, G1826S.
Identifiers: ClinVar variation 981332 (VCV000981332.16), dbSNP rs782269425, ClinGen allele CA10560306.